The following is an entry in ClinVar:

ClinVar aggregate classification (germline): Uncertain significance (1 of 4 stars; one submission).

Submission:

Labcorp Genetics (formerly Invitae), Labcorp
Classification: Uncertain significance. Last evaluated: 2022-07-30. Review status: criteria provided, single submitter. Criteria: Invitae Variant Classification Sherloc (09022015). Collection method: clinical testing. Allele origin: germline.
Comment: Advanced modeling of protein sequence and biophysical properties (such as structural, functional, and spatial information, amino acid conservation, physicochemical variation, residue mobility, and thermodynamic stability) performed at Invitae indicates that this missense variant is expected to disrupt SLC12A3 protein function. This sequence change replaces leucine, which is neutral and non-polar, with arginine, which is basic and polar, at codon 288 of the SLC12A3 protein (p.Leu288Arg). This variant is not present in population databases (gnomAD no frequency). This missense change has been observed in individual(s) with clinical features of Gitelman syndrome (Invitae). This variant disrupts the p.Leu288 amino acid residue in SLC12A3. Other variant(s) that disrupt this residue have been observed in individuals with SLC12A3-related conditions (PMID: 30596175), which suggests that this may be a clinically significant amino acid residue. In summary, the available evidence is currently insufficient to determine the role of this variant in disease. Therefore, it has been classified as a Variant of Uncertain Significance.

Literature cited by the submitters: PubMed 30596175.

NM_001126108.2(SLC12A3):c.863T>G (p.Leu288Arg)

Gene: SLC12A3 (solute carrier family 12 member 3; plus strand). Cytogenetic location: 16q13.
Variant type: single nucleotide variant.
Coding change: c.863T>G on transcript NM_001126108.2 (MANE Select); coding-DNA position 863, T replaced by G.
Protein change: p.Leu288Arg; replaces leucine 288 with arginine.
Molecular consequence: missense variant.
Genome position (GRCh38, 1-based): chr16:56,872,361, T>G. VCF-style: chr16-56872361-T-G. GRCh37 (hg19) VCF-style: chr16-56906273-T-G.
Other names: c.863T>G, p.Leu288Arg (NM_000339.3); c.860T>G, p.Leu287Arg (NM_001126107.2, NM_001410896.1); short protein forms L287R, L288R.
Identifiers: ClinVar variation 2020642 (VCV002020642.4), dbSNP rs2543487373, ClinGen allele CA395982960.
Genomic context (GRCh38, chr16:56,872,361, plus strand): 5'-GAGAGGTAGAACAAAACTATCTGACCTCTGGGGTCCTTCGCCCCCTCCAGGCCCAGGTGC[T>G]GTTCTTCCTTGTCATCATGGTCTCCTTTGCCAACTATTTAGTGGGGACGCTGATCCCCCC-3'
Protein context (NP_001119580.2, residues 278-298): GMEWESKAQV[Leu288Arg]FFLVIMVSFA